The following is an entry in ClinVar:

NM_020884.7(MYH7B):c.4837C>T (p.Arg1613Trp)

Gene: MYH7B (myosin heavy chain 7B; plus strand). Cytogenetic location: 20q11.22.
Variant type: single nucleotide variant.
Coding change: c.4837C>T on transcript NM_020884.7 (MANE Select); coding-DNA position 4837, C replaced by T.
Protein change: p.Arg1613Trp; replaces arginine 1613 with tryptophan.
Molecular consequence: missense variant.
Genome position (GRCh38, 1-based): chr20:35,000,348, C>T. VCF-style: chr20-35000348-C-T. GRCh37 (hg19) VCF-style: chr20-33588151-C-T.
Other names: short protein forms R1613W.
Identifiers: ClinVar variation 2363475 (VCV002363475.3), dbSNP rs376114166, ClinGen allele CA9828349.

ClinVar aggregate classification (germline): Uncertain significance. Review status: criteria provided, multiple submitters, no conflicts (2 of 4 stars). 2 submissions from 2 submitters: Uncertain significance (2). Last evaluated 2026-01-06.

Allele frequency attached by ClinVar (database versions not stated): TOPMed 0.00002; ExAC 0.00003; gnomAD 0.00005; ESP Exome Variant Server 0.00008.
gnomAD v4.1: 22 of 1,597,566 alleles (0.0014%); highest among the groups gnomAD compares: East Asian, 0.0089%; no homozygotes.

Submissions (2):

Labcorp Genetics (formerly Invitae), Labcorp
Classification: Uncertain significance. Last evaluated: 2026-01-06. Review status: criteria provided, single submitter. Criteria: Invitae Variant Classification Sherloc (09022015). Collection method: clinical testing. Allele origin: germline.
Comment: This sequence change replaces arginine, which is basic and polar, with tryptophan, which is neutral and slightly polar, at codon 1655 of the MYH7B protein (p.Arg1655Trp). This variant is present in population databases (rs376114166, gnomAD 0.01%). This variant has not been reported in the literature in individuals affected with MYH7B-related conditions. ClinVar contains an entry for this variant (Variation ID: 2363475). Invitae Evidence Modeling of protein sequence and biophysical properties (such as structural, functional, and spatial information, amino acid conservation, physicochemical variation, residue mobility, and thermodynamic stability) indicates that this missense variant is expected to disrupt MYH7B protein function with a positive predictive value of 80%. In summary, the available evidence is currently insufficient to determine the role of this variant in disease. Therefore, it has been classified as a Variant of Uncertain Significance.

Ambry Genetics
Classification: Uncertain significance. Last evaluated: 2022-03-28. Review status: criteria provided, single submitter. Criteria: Ambry Variant Classification Scheme 2023. Collection method: clinical testing. Allele origin: germline.